The following is an entry in ClinVar:

NM_000210.4(ITGA6):c.1269+2T>C

Genes: ITGA6 (integrin subunit alpha 6; plus strand), PDK1-AS1 (PDK1 and ITGA6 antisense RNA 1; minus strand). Cytogenetic location: 2q31.1.
Variant type: single nucleotide variant.
Coding change: c.1269+2T>C on transcript NM_000210.4 (MANE Select); the canonical splice donor site of the intron after coding-DNA position 1269, T replaced by C.
Molecular consequence: splice donor variant.
Genome position (GRCh38, 1-based): chr2:172,475,687, T>C. VCF-style: chr2-172475687-T-C. GRCh37 (hg19) VCF-style: chr2-173340415-T-C.
Other names: c.912+2T>C (NM_001316306.2); c.1386+2T>C (NM_001394928.1); c.1269+2T>C (NM_001079818.3, NM_001365530.2, NM_001365529.2).
Identifiers: ClinVar variation 2848170 (VCV002848170.3), dbSNP rs2468320263, ClinGen allele CA349309925.

ClinVar aggregate classification (germline): Likely pathogenic (1 of 4 stars; one submission).

Submission:

Labcorp Genetics (formerly Invitae), Labcorp
Classification: Likely pathogenic. Last evaluated: 2023-03-31. Review status: criteria provided, single submitter. Criteria: Invitae Variant Classification Sherloc (09022015). Collection method: clinical testing. Allele origin: germline.
Comment: This sequence change affects a donor splice site in intron 8 of the ITGA6 gene. It is expected to disrupt RNA splicing. Variants that disrupt the donor or acceptor splice site typically lead to a loss of protein function (PMID: 16199547), and loss-of-function variants in ITGA6 are known to be pathogenic (PMID: 9158140, 9185503, 9804362, 27607025). This variant is not present in population databases (gnomAD no frequency). This variant has not been reported in the literature in individuals affected with ITGA6-related conditions. Algorithms developed to predict the effect of sequence changes on RNA splicing suggest that this variant may disrupt the consensus splice site. In summary, the currently available evidence indicates that the variant is pathogenic, but additional data are needed to prove that conclusively. Therefore, this variant has been classified as Likely Pathogenic.

Literature cited by the submitters: PubMed 16199547; PubMed 9158140; PubMed 9185503; PubMed 9804362; PubMed 27607025.